The following is an entry in ClinVar:

ClinVar aggregate classification (germline): Likely pathogenic (1 of 4 stars; one submission).

Conditions:
Griscelli syndrome type 2 (GS2). Also called: GRISCELLI SYNDROME WITH HEMOPHAGOCYTIC SYNDROME; PAID SYNDROME; PARTIAL ALBINISM AND IMMUNODEFICIENCY SYNDROME. Identifiers: Orphanet 381, Orphanet 79477, MedGen C1868679, MONDO:0011872, OMIM 607624.

Allele frequency attached by ClinVar (database versions not stated): gnomAD exomes below 0.00001; TOPMed below 0.00001; ExAC 0.00001.
gnomAD v4.1: 5 of 1,612,480 alleles (0.00031%); highest among the groups gnomAD compares: Admixed American, 0.0083%; no homozygotes.

Submission:

Labcorp Genetics (formerly Invitae), Labcorp
Classification: Likely pathogenic for Griscelli syndrome type 2. Last evaluated: 2025-08-11. Review status: criteria provided, single submitter. Criteria: Invitae Variant Classification Sherloc (09022015). Collection method: clinical testing. Allele origin: germline.
Comment: This sequence change replaces glycine, which is neutral and non-polar, with arginine, which is basic and polar, at codon 77 of the RAB27A protein (p.Gly77Arg). This variant is present in population databases (rs758986523, gnomAD 0.01%). This missense change has been observed in individual(s) with clinical features of Griscelli syndrome type 2 (internal data). In at least one individual the data is consistent with being in trans (on the opposite chromosome) from a pathogenic variant. ClinVar contains an entry for this variant (Variation ID: 1961056). Invitae Evidence Modeling of protein sequence and biophysical properties (such as structural, functional, and spatial information, amino acid conservation, physicochemical variation, residue mobility, and thermodynamic stability) indicates that this missense variant is expected to disrupt RAB27A protein function with a positive predictive value of 95%. This variant disrupts the p.Gly77 amino acid residue in RAB27A. Other variant(s) that disrupt this residue have been observed in individuals with RAB27A-related conditions (PMID: 33225392; internal data), which suggests that this may be a clinically significant amino acid residue. In summary, the currently available evidence indicates that the variant is pathogenic, but additional data are needed to prove that conclusively. Therefore, this variant has been classified as Likely Pathogenic.

Literature cited by the submitters: PubMed 33225392.

NM_183235.3(RAB27A):c.229G>A (p.Gly77Arg)

Gene: RAB27A (RAB27A, member RAS oncogene family; minus strand). Cytogenetic location: 15q21.3.
Variant type: single nucleotide variant.
Coding change: c.229G>A on transcript NM_183235.3 (MANE Select); coding-DNA position 229, G replaced by A.
Protein change: p.Gly77Arg; replaces glycine 77 with arginine.
Molecular consequence: missense variant.
Genome position (GRCh38, 1-based): chr15:55,230,411, C>T on the plus strand (G>A on the coding strand, the complement: RAB27A is on the minus strand). VCF-style: chr15-55230411-C-T. GRCh37 (hg19) VCF-style: chr15-55522609-C-T.
Other names: c.229G>A, p.Gly77Arg (NM_004580.5, NM_183234.3, NM_183236.3); short protein forms G77R.
Identifiers: ClinVar variation 1961056 (VCV001961056.5), dbSNP rs758986523, ClinGen allele CA7573661.